The following is an entry in ClinVar:

NM_001374736.1(DST):c.15032G>A (p.Cys5011Tyr)

Gene: DST (dystonin; minus strand). Cytogenetic location: 6p12.1.
Variant type: single nucleotide variant.
Coding change: c.15032G>A on transcript NM_001374736.1 (MANE Select); coding-DNA position 15032, G replaced by A.
Protein change: p.Cys5011Tyr; replaces cysteine 5011 with tyrosine.
Molecular consequence: missense variant.
Genome position (GRCh38, 1-based): chr6:56,555,449, C>T on the plus strand (G>A on the coding strand, the complement: DST is on the minus strand). VCF-style: chr6-56555449-C-T. GRCh37 (hg19) VCF-style: chr6-56420247-C-T.
Other names: c.8675G>A, p.Cys2892Tyr (NM_001144769.5); c.8261G>A, p.Cys2754Tyr (NM_001144770.2); c.15032G>A, p.Cys5011Tyr (NM_001374722.1); c.14399G>A, p.Cys4800Tyr (NM_001374729.1); c.8141G>A, p.Cys2714Tyr (NM_001374730.1, NM_001386100.1, NM_183380.4); c.15059G>A, p.Cys5020Tyr (NM_001374734.1); c.7163G>A, p.Cys2388Tyr (NM_015548.5); short protein forms C2754Y, C2388Y, C4800Y, C2714Y, C2892Y, C5020Y, C5011Y.
Identifiers: ClinVar variation 2128881 (VCV002128881.4), dbSNP rs2535388049, ClinGen allele CA364518655.

ClinVar aggregate classification (germline): Uncertain significance (1 of 4 stars; one submission).

Conditions:
Hereditary sensory and autonomic neuropathy type 6. Also called: Neuropathy, hereditary sensory and autonomic, type VI; HSAN VI. Identifiers: Orphanet 314381, MedGen C3539003, MONDO:0013839, OMIM 614653.
Epidermolysis bullosa simplex 3, localized or generalized intermediate, with BP230 deficiency (EBS3). Also called: Epidermolysis bullosa simplex, autosomal recessive 2; Epidermolysis bullosa simplex due to BP230 deficiency. Identifiers: Orphanet 412181, MedGen C3809470, MONDO:0014180, OMIM 615425.

Submission:

Labcorp Genetics (formerly Invitae), Labcorp
Classification: Uncertain significance for Epidermolysis bullosa simplex 3, localized or generalized intermediate, with BP230 deficiency; Hereditary sensory and autonomic neuropathy type 6. Last evaluated: 2022-04-21. Review status: criteria provided, single submitter. Criteria: Invitae Variant Classification Sherloc (09022015). Collection method: clinical testing. Allele origin: germline.
Comment: This sequence change replaces cysteine, which is neutral and slightly polar, with tyrosine, which is neutral and polar, at codon 2388 of the DST protein (p.Cys2388Tyr). The DST gene has multiple clinically relevant transcripts. This variant occurs in alternate transcript NM_015548.4, and corresponds to NM_001723.5:c.*60068G>A in the primary transcript. This variant is not present in population databases (gnomAD no frequency). This variant has not been reported in the literature in individuals affected with DST-related conditions. Experimental studies and prediction algorithms are not available or were not evaluated, and the functional significance of this variant is currently unknown. In summary, the available evidence is currently insufficient to determine the role of this variant in disease. Therefore, it has been classified as a Variant of Uncertain Significance.